The following is an entry in ClinVar:

NM_001394062.1(MACF1):c.22464G>T (p.Gly7488=)

Gene: MACF1 (microtubule actin crosslinking factor 1; plus strand). Cytogenetic location: 1p34.3.
Variant type: single nucleotide variant.
Coding change: c.22464G>T on transcript NM_001394062.1 (MANE Select); coding-DNA position 22464, G replaced by T.
Protein change: p.Gly7488=; no amino-acid change (glycine 7488 retained).
Molecular consequence: synonymous variant.
Genome position (GRCh38, 1-based): chr1:39,485,590, G>T. VCF-style: chr1-39485590-G-T. GRCh37 (hg19) VCF-style: chr1-39951262-G-T.
Other names: c.10344G>T, p.Gly3448= (NM_001397473.1); c.16089G>T, p.Gly5363= (NM_012090.5).
Identifiers: ClinVar variation 2844457 (VCV002844457.4), dbSNP rs201273333, ClinGen allele CA784932.
Genomic context (GRCh38, chr1:39,485,590, plus strand): 5'-AATTCCAGACCCTAAAAAGTCTGCCAGTCGCCCTGGGAGTCGGGCTGGGAGTCGAGCCGG[G>T]AGTCGAGCCAGCAGCCGGCGAGGAAGTGACGCTTCTGACTTTGACCTCTTAGAGACGCAG-3'
Protein context (NP_001380991.1, residues 7478-7498): RPGSRAGSRA[Gly7488=]SRASSRRGSD

ClinVar aggregate classification (germline): Likely benign. Review status: criteria provided, multiple submitters, no conflicts (2 of 4 stars). 2 submissions from 2 submitters: Likely benign (2). Last evaluated 2025-08-11.

Conditions:
MACF1-related disorder. Also called: MACF1-related condition.

Allele frequency attached by ClinVar (database versions not stated): ExAC 0.00007; gnomAD exomes 0.00009; ESP Exome Variant Server 0.00015; 1000 Genomes Project 30x 0.00016; 1000 Genomes Project 0.00020; gnomAD 0.00022; TOPMed 0.00023.
gnomAD v4.1: 170 of 1,614,082 alleles (0.011%); highest among the groups gnomAD compares: Admixed American, 0.017%; no homozygotes.

Submissions (2):

Labcorp Genetics (formerly Invitae), Labcorp
Classification: Likely benign. Last evaluated: 2025-08-11. Review status: criteria provided, single submitter. Criteria: Invitae Variant Classification Sherloc (09022015). Collection method: clinical testing. Allele origin: germline.

PreventionGenetics, part of Exact Sciences
Classification: Likely benign for MACF1-related condition. Last evaluated: 2025-06-05. Review status: criteria provided, single submitter. Criteria: ACMG Guidelines, 2015. Collection method: clinical testing. Allele origin: germline.
Comment: This variant is classified as likely benign based on ACMG/AMP sequence variant interpretation guidelines (Richards et al. 2015 PMID: 25741868, with internal and published modifications).